The following is an entry in ClinVar:

NM_000318.3(PEX2):c.505C>G (p.Arg169Gly)

Gene: PEX2 (peroxisomal biogenesis factor 2; minus strand). Cytogenetic location: 8q21.13.
Variant type: single nucleotide variant.
Coding change: c.505C>G on transcript NM_000318.3 (MANE Select); coding-DNA position 505, C replaced by G.
Protein change: p.Arg169Gly; replaces arginine 169 with glycine.
Molecular consequence: missense variant.
Genome position (GRCh38, 1-based): chr8:76,983,674, G>C on the plus strand (C>G on the coding strand, the complement: PEX2 is on the minus strand). VCF-style: chr8-76983674-G-C. GRCh37 (hg19) VCF-style: chr8-77895910-G-C.
Other names: c.505C>G, p.Arg169Gly (NM_001079867.2, NM_001172086.2, NM_001172087.2); short protein forms R169G.
Identifiers: ClinVar variation 1520270 (VCV001520270.8), dbSNP rs752394595, ClinGen allele CA371557197.

ClinVar aggregate classification (germline): Uncertain significance (1 of 4 stars; one submission).

Conditions:
Peroxisome biogenesis disorder 5A (Zellweger) (PBD5A). Identifiers: Orphanet 912, MedGen C3553940, MONDO:0013932, OMIM 614866.

gnomAD v4.1: 2 of 1,614,098 alleles (0.00012%); highest among the groups gnomAD compares: Non-Finnish European, 0.00017%; no homozygotes.

Submission:

Labcorp Genetics (formerly Invitae), Labcorp
Classification: Uncertain significance for Peroxisome biogenesis disorder 5A (Zellweger). Last evaluated: 2021-02-01. Review status: criteria provided, single submitter. Criteria: Invitae Variant Classification Sherloc (09022015). Collection method: clinical testing. Allele origin: germline.
Comment: This sequence change replaces arginine with glycine at codon 169 of the PEX2 protein (p.Arg169Gly). The arginine residue is highly conserved and there is a moderate physicochemical difference between arginine and glycine. This variant is not present in population databases (ExAC no frequency). This variant has not been reported in the literature in individuals with PEX2-related conditions. Algorithms developed to predict the effect of missense changes on protein structure and function are either unavailable or do not agree on the potential impact of this missense change (SIFT: "Tolerated"; PolyPhen-2: "Probably Damaging"; Align-GVGD: "Class C0"). In summary, the available evidence is currently insufficient to determine the role of this variant in disease. Therefore, it has been classified as a Variant of Uncertain Significance.